The following is an entry in ClinVar:

NM_014908.4(DOLK):c.1322A>G (p.Tyr441Cys)

Gene: DOLK (dolichol kinase; minus strand). Cytogenetic location: 9q34.11.
Variant type: single nucleotide variant.
Coding change: c.1322A>G on transcript NM_014908.4 (MANE Select); coding-DNA position 1322, A replaced by G.
Protein change: p.Tyr441Cys; replaces tyrosine 441 with cysteine.
Molecular consequence: missense variant.
Genome position (GRCh38, 1-based): chr9:128,945,982, T>C on the plus strand (A>G on the coding strand, the complement: DOLK is on the minus strand). VCF-style: chr9-128945982-T-C. GRCh37 (hg19) VCF-style: chr9-131708261-T-C.
Other names: short protein forms Y441C.
Identifiers: ClinVar variation 3226325 (VCV003226325.1), dbSNP rs137853110, ClinGen allele CA375117633.

ClinVar aggregate classification (germline): Uncertain significance (1 of 4 stars; one submission).

Conditions:
Cardiovascular phenotype. Identifiers: MedGen CN230736.

Allele frequency attached by ClinVar (database versions not stated): gnomAD exomes below 0.00001.
gnomAD v4.1: 2 of 1,614,102 alleles (0.00012%); highest among the groups gnomAD compares: Admixed American, 0.0033%; no homozygotes.

Submission:

Ambry Genetics
Classification: Uncertain significance for Cardiovascular phenotype. Last evaluated: 2023-11-25. Review status: criteria provided, single submitter. Criteria: Ambry Variant Classification Scheme 2023. Collection method: clinical testing. Allele origin: germline.
Comment: The p.Y441C variant (also known as c.1322A>G), located in coding exon 1 of the DOLK gene, results from an A to G substitution at nucleotide position 1322. The tyrosine at codon 441 is replaced by cysteine, an amino acid with highly dissimilar properties. This amino acid position is conserved. In addition, this alteration is predicted to be deleterious by in silico analysis. Since supporting evidence is limited at this time, the clinical significance of this alteration remains unclear.